The following is an entry in ClinVar:

ClinVar aggregate classification (germline): Uncertain significance (1 of 4 stars; one submission).

gnomAD v4.1: 6 of 1,614,124 alleles (0.00037%); highest among the groups gnomAD compares: Non-Finnish European, 0.00051%; no homozygotes.

Submission:

GeneDx
Classification: Uncertain significance. Last evaluated: 2026-03-09. Review status: criteria provided, single submitter. Criteria: GeneDx Variant Classification Process June 2021. Collection method: clinical testing. Allele origin: germline.
Comment: Not observed at significant frequency in large population cohorts (gnomAD); In silico analysis supports that this missense variant has a deleterious effect on protein structure/function; Has not been previously published as pathogenic or benign to our knowledge

NM_016148.5(SHANK1):c.2237G>A (p.Gly746Asp)

Gene: SHANK1 (SH3 and multiple ankyrin repeat domains 1; minus strand). Cytogenetic location: 19q13.33.
Variant type: single nucleotide variant.
Coding change: c.2237G>A on transcript NM_016148.5 (MANE Select); coding-DNA position 2237, G replaced by A.
Protein change: p.Gly746Asp; replaces glycine 746 with aspartic acid.
Molecular consequence: missense variant.
Genome position (GRCh38, 1-based): chr19:50,687,994, C>T on the plus strand (G>A on the coding strand, the complement: SHANK1 is on the minus strand). VCF-style: chr19-50687994-C-T. GRCh37 (hg19) VCF-style: chr19-51191251-C-T.
Other names: short protein forms G746D.
Identifiers: ClinVar variation 5008771 (VCV005008771.1).